The following is an entry in ClinVar:

NM_000256.3(MYBPC3):c.1575T>G (p.Tyr525Ter)

Gene: MYBPC3 (myosin binding protein C3; minus strand). Cytogenetic location: 11p11.2.
Variant type: single nucleotide variant.
Coding change: c.1575T>G on transcript NM_000256.3 (MANE Select); coding-DNA position 1575, T replaced by G.
Protein change: p.Tyr525Ter; replaces tyrosine 525 with a stop codon.
Molecular consequence: nonsense.
Genome position (GRCh38, 1-based): chr11:47,342,627, A>C on the plus strand (T>G on the coding strand, the complement: MYBPC3 is on the minus strand). VCF-style: chr11-47342627-A-C. GRCh37 (hg19) VCF-style: chr11-47364178-A-C.
Other names: short protein forms Y525*.
Identifiers: ClinVar variation 42547 (VCV000042547.13), dbSNP rs397515910, ClinGen allele CA010653.
Genomic context (GRCh38, chr11:47,342,627, plus strand): 5'-GCCAGGCTCACCCTGCACAATGAGCTCAGCCAGCGCCTGGCCCCCGCTAGTGCACAGTGC[A>C]TAGTGCCCCGCGTCCTCCAGCATGGCCTCGTTGATGATCAGGTGGTGTCTCTGCCCGTCC-3'

ClinVar aggregate classification (germline): Pathogenic/Likely pathogenic. Review status: criteria provided, multiple submitters, no conflicts (2 of 4 stars). 4 submissions from 4 submitters: Pathogenic (3); Likely pathogenic (1). Last evaluated 2024-02-20.

Conditions:
Cardiovascular phenotype. Identifiers: MedGen CN230736.
Hypertrophic cardiomyopathy. Also called: HYPERTROPHIC MYOCARDIOPATHY. Identifiers: Orphanet 217569, MedGen C0007194, MeSH D002312, MONDO:0005045, HP:0001639.

Submissions (4):

GeneDx
Classification: Likely pathogenic. Last evaluated: 2024-02-20. Review status: criteria provided, single submitter. Criteria: GeneDx Variant Classification Process June 2021. Collection method: clinical testing. Allele origin: germline. Affected: yes.
Comment: Identified in patients with HCM in published literature (PMID: 21817903, 30775854, 27532257); at least one patient harbored additional cardiogenetic variants; Not observed at significant frequency in large population cohorts (gnomAD); Nonsense variant predicted to result in protein truncation or nonsense mediated decay in a gene for which loss of function is a known mechanism of disease; This variant is associated with the following publications: (PMID: 27532257, 21817903, 30775854)

Ambry Genetics
Classification: Pathogenic for Cardiovascular phenotype. Last evaluated: 2023-07-24. Review status: criteria provided, single submitter. Criteria: Ambry General Variant Classification Scheme_2022. Collection method: clinical testing. Allele origin: germline.
Comment: The p.Y525* pathogenic mutation (also known as c.1575T>G), located in coding exon 17 of the MYBPC3 gene, results from a T to G substitution at nucleotide position 1575. This changes the amino acid from a tyrosine to a stop codon within coding exon 17. This mutation has been reported in multiple individuals with HCM (Bortot B et al. Diagn. Mol. Pathol., 2011 Sep;20:175-9; Walsh R et al. Genet. Med., 2017 02;19:192-203; J&auml;&auml;skel&auml;inen P et al. ESC Heart Fail, 2019 Apr;6:436-445). This variant is considered to be rare based on population cohorts in the Genome Aggregation Database (gnomAD). In addition to the clinical data presented in the literature, this alteration is expected to result in loss of function by premature protein truncation or nonsense-mediated mRNA decay. As such, this alteration is interpreted as a disease-causing mutation.

Labcorp Genetics (formerly Invitae), Labcorp
Classification: Pathogenic for Hypertrophic cardiomyopathy. Last evaluated: 2023-05-17. Review status: criteria provided, single submitter. Criteria: Invitae Variant Classification Sherloc (09022015). Collection method: clinical testing. Allele origin: germline.
Comment: For these reasons, this variant has been classified as Pathogenic. ClinVar contains an entry for this variant (Variation ID: 42547). This premature translational stop signal has been observed in individual(s) with hypertrophic cardiomyopathy (PMID: 21817903, 30775854). This variant is not present in population databases (gnomAD no frequency). This sequence change creates a premature translational stop signal (p.Tyr525*) in the MYBPC3 gene. It is expected to result in an absent or disrupted protein product. Loss-of-function variants in MYBPC3 are known to be pathogenic (PMID: 19574547).

Laboratory for Molecular Medicine, Mass General Brigham Personalized Medicine
Classification: Pathogenic for Hypertrophic cardiomyopathy. Last evaluated: 2015-08-27. Review status: criteria provided, single submitter. Criteria: LMM Criteria. Collection method: clinical testing. Allele origin: germline. Inheritance: Autosomal dominant inheritance. Observed: 4 variant alleles.
Comment: It has not been identified in large population studies. This variant leads to a premature termination codon at position 525, which is predicted to l ead to a truncated or absent protein. Heterozygous loss of function of the MYBPC 3 gene is an established disease mechanism in individuals with HCM. In summary, the p.Tyr525X variant meets our criteria to be classified as pathogenic for HCM in an autosomal dominant manner based upon the predicted impact to the protein.

Literature cited by the submitters: PubMed 21817903 (cited by 3 submitters); PubMed 27532257 (cited by Ambry Genetics); PubMed 30775854 (cited by Ambry Genetics and Labcorp Genetics (formerly Invitae), Labcorp); PubMed 19574547 (cited by Labcorp Genetics (formerly Invitae), Labcorp).